The following is an entry in ClinVar:

NM_004415.4(DSP):c.3878T>C (p.Ile1293Thr)

Gene: DSP (desmoplakin; plus strand). Cytogenetic location: 6p24.3.
Variant type: single nucleotide variant.
Coding change: c.3878T>C on transcript NM_004415.4 (MANE Select); coding-DNA position 3878, T replaced by C.
Protein change: p.Ile1293Thr; replaces isoleucine 1293 with threonine.
Molecular consequence: missense variant. On other transcripts: intron variant (1).
Genome position (GRCh38, 1-based): chr6:7,580,068, T>C. VCF-style: chr6-7580068-T-C. GRCh37 (hg19) VCF-style: chr6-7580301-T-C.
Other names: c.3878T>C, p.Ile1293Thr (NM_001319034.2); c.3582+296T>C (NM_001008844.3); short protein forms I1293T.
Identifiers: ClinVar variation 1310242 (VCV001310242.8), dbSNP rs759823665, ClinGen allele CA039424.

ClinVar aggregate classification (germline): Conflicting classifications of pathogenicity. Review status: criteria provided, conflicting classifications (1 of 4 stars). 3 submissions from 3 submitters: Uncertain significance (2); Likely benign (1). Last evaluated 2025-10-17.

Conditions:
Arrhythmogenic cardiomyopathy with wooly hair and keratoderma. Also called: Carvajal syndrome; Dilated cardiomyopathy with woolly hair and keratoderma; PALMOPLANTAR KERATODERMA WITH LEFT VENTRICULAR CARDIOMYOPATHY AND WOOLLY HAIR; Arrhythmogenic cardiomyopathy with woolly hair and keratoderma. Identifiers: Orphanet 65282, MedGen C1854063, MONDO:0011581, OMIM 605676.
Arrhythmogenic right ventricular dysplasia 8 (ARVD8). Also called: Arrhythmogenic Right Ventricular Dysplasia/Cardiomyopathy 8; ARRHYTHMOGENIC RIGHT VENTRICULAR CARDIOMYOPATHY 8; ARRHYTHMOGENIC RIGHT VENTRICULAR DYSPLASIA, FAMILIAL, 8. Identifiers: MedGen C1843896, MONDO:0011831, OMIM 607450.
Cardiomyopathy (CMYO). Also called: Cardiomyopathies. Identifiers: Orphanet 167848, MedGen C0878544, MONDO:0004994, HP:0001638. Inheritance: Various modes of inheritance.

Allele frequency attached by ClinVar (database versions not stated): gnomAD exomes below 0.00001 and 0.00001; gnomAD 0.00001; TOPMed 0.00001; ExAC 0.00002.
gnomAD v4.1: 4 of 1,613,642 alleles (0.00025%); highest among the groups gnomAD compares: African/African-American, 0.0027%; no homozygotes.

Submissions (3):

Labcorp Genetics (formerly Invitae), Labcorp
Classification: Likely benign for Arrhythmogenic cardiomyopathy with wooly hair and keratoderma; Arrhythmogenic right ventricular dysplasia 8. Last evaluated: 2025-10-17. Review status: criteria provided, single submitter. Criteria: Invitae Variant Classification Sherloc (09022015). Collection method: clinical testing. Allele origin: germline.

Color Diagnostics, LLC DBA Color Health
Classification: Uncertain significance for Cardiomyopathy. Last evaluated: 2024-03-06. Review status: criteria provided, single submitter. Criteria: ACMG Guidelines, 2015. Collection method: clinical testing. Allele origin: germline.
Comment: This missense variant replaces isoleucine with threonine at codon 1293 of the DSP protein. Computational prediction suggests that this variant may not impact protein structure and function (internally defined REVEL score threshold <= 0.5, PMID: 27666373). To our knowledge, functional studies have not been reported for this variant. This variant has not been reported in individuals affected with cardiovascular disorders in the literature. This variant has been identified in 3/250918 chromosomes in the general population by the Genome Aggregation Database (gnomAD). The available evidence is insufficient to determine the role of this variant in disease conclusively. Therefore, this variant is classified as a Variant of Uncertain Significance.

GeneDx
Classification: Uncertain significance. Last evaluated: 2019-11-12. Review status: criteria provided, single submitter. Criteria: GeneDx Variant Classification Process June 2021. Collection method: clinical testing. Allele origin: germline. Affected: yes.
Comment: Has not been previously published as pathogenic or benign to our knowledge; Not observed at a significant frequency in large population cohorts (Lek et al., 2016); In silico analysis, which includes protein predictors and evolutionary conservation, supports that this variant does not alter protein structure/function